The following is an entry in ClinVar:

ClinVar aggregate classification (germline): Pathogenic/Likely pathogenic. Review status: criteria provided, multiple submitters, no conflicts (2 of 4 stars). 6 submissions from 6 submitters: Pathogenic (3); Likely pathogenic (1). 2 of the submissions do not count toward it. Last evaluated 2026-08-24.

Conditions:
Fetal anomalies with a likely genetic cause.
Distal arthrogryposis type 2B1 (DA2B1). Also called: Arthrogryposis multiplex congenita distal type II with craniofacial abnormalities. Identifiers: Orphanet 1147, MedGen C5193014, MONDO:0020820, OMIM 601680.

Submissions (6):

Genetics Laboratory, Great Ormond Street Hospital NHS Foundation Trust, North Thames Genomic Laboratory Hub
Classification: Likely pathogenic for Fetal anomalies with a likely genetic cause. Last evaluated: 2026-08-24. Review status: criteria provided, single submitter. Criteria: ACGS Best Practice Guidelines for Variant Classification in Rare Disease 2024 v1.2. Collection method: clinical testing. Allele origin: germline. Affected: yes.
Comment: PS4_moderate, PM2_moderate, PM4_supporting, PP1_moderate, PS2_moderate

Variantyx, Inc.
Classification: Pathogenic for Distal arthrogryposis type 2B1. Last evaluated: 2025-03-26. Review status: criteria provided, single submitter. Criteria: Variantyx Assertion Criteria 2022. Collection method: clinical testing. Allele origin: de novo. Affected: yes.
Comment: This is an inframe deletion variant in the TNNI2 gene (OMIM: 191043). Pathogenic variants in this gene have been associated with autosomal dominant distal arthrogryposis, type 2B1. This variant causes an in-frame deletion of a single amino acid at position 167 of the TNNI2 protein (PM4_Supporting). This variant has been reported in at least three unrelated affected individuals (PMID: 35052370, 36307859) (PS4_Moderate). This variant has been observed to segregate with disease in at least two individuals from two families (PMID: 36307859, 35052370). This variant lies within a known hotspot for pathogenic variants or a well-established critical functional domain of the TNNI2 protein (PMID: 12592607, 16924011, 23401156) (PM1). This variant is absent from control populations (PM2_Supporting). Based on the current evidence, this variant is classified as pathogenic for autosomal dominant distal arthrogryposis, type 2B1.

GeneDx
Classification: Pathogenic. Last evaluated: 2025-01-09. Review status: criteria provided, single submitter. Criteria: GeneDx Variant Classification Process June 2021. Collection method: clinical testing. Allele origin: germline. Affected: yes.
Comment: Not observed at significant frequency in large population cohorts (gnomAD); In silico analysis supports a deleterious effect on protein structure/function; In-frame deletion of 1 amino acid in a non-repeat region; This variant is associated with the following publications: (PMID: 18331830, 23401156, 35052370, 36307859, 36566310, 35487415, 33060286, 16497570)

Neuberg Centre For Genomic Medicine, NCGM
Classification: Pathogenic for Distal arthrogryposis type 2B1. Review status: criteria provided, single submitter. Criteria: ACMG Guidelines, 2015. Collection method: clinical testing. Allele origin: germline. Inheritance: Autosomal dominant inheritance. Affected: yes.
Comment: This three base pair deletion is predicted to result in the deletion of a glutamic acid at codon position 167. This mutation is located in the carboxy-terminal domain and thus supports the existence of a TNNI2 critical region sensitive to alteration that will give rise to Distal Arthrogryposis (Shrimpton AE et al, 2006)

OMIM
Classification: Pathogenic for ARTHROGRYPOSIS, DISTAL, TYPE 2B1. Last evaluated: 2006-03-01. Review status: no assertion criteria provided. Collection method: literature only. Allele origin: germline. Not counted in ClinVar's aggregate classification.

TNNI2 homepage - Leiden Muscular Dystrophy pages
No classification provided. Review status: no classification provided. Collection method: not provided. Allele origin: germline. Not counted in ClinVar's aggregate classification.
Comment: has functional consequence

Literature cited by the submitters: PubMed 16497570 (cited by OMIM).

NM_003282.4(TNNI2):c.496GAG[1] (p.Glu167del)

Gene: TNNI2 (troponin I2, fast skeletal type; plus strand). Cytogenetic location: 11p15.5.
Variant type: Microsatellite.
Coding change: c.496GAG[1] on transcript NM_003282.4 (MANE Select); one copy of the 3-base unit GAG starting at c.496; the reference has two copies in a row; one copy, 3 bases deleted; also written c.499_501del.
Protein change: p.Glu167del; deletes glutamic acid 167.
Molecular consequence: inframe deletion.
Genome position (GRCh38, 1-based): chr11:1,841,501-1,841,503, GAG deleted; deleting any 3 consecutive bases within chr11:1,841,498-1,841,503 gives the same sequence; the position shown is the placement nearest the transcript's 3' end. VCF-style (leftmost placement, unchanged base first): chr11-1841497-CGAG-C. GRCh37 (hg19) VCF-style: chr11-1862727-CGAG-C.
Other names: c.499_501del (NM_003282.4); c.496GAG[1], p.Glu167del (NM_001145829.2, NM_001145841.2); short protein forms E167del.
Identifiers: ClinVar variation 12439 (VCV000012439.6), dbSNP rs199474800, ClinGen allele CA122388.
Genomic context (GRCh38, chr11:1,841,497, plus strand): 5'-CCTGCCCTCTCCTCCACAGGAGCGGGACCTGCGAGACGTGGGTGACTGGAGGAAGAACAT[CGAG>C]GAGAAGTCTGGCATGGAGGGCCGGAAGAAGATGTTTGAGTCCGAGTCCTAGGCCACTCGC-3'